The following is an entry in ClinVar:

NM_004100.5(EYA4):c.1281+3A>C

Genes: TARID (TCF21 antisense RNA inducing promoter demethylation; minus strand), EYA4 (EYA transcriptional coactivator and phosphatase 4; plus strand), LOC126859796 (MED14-independent group 3 enhancer GRCh37_chr6:133826289-133827488; plus strand). Cytogenetic location: 6q23.2.
Variant type: single nucleotide variant.
Coding change: c.1281+3A>C on transcript NM_004100.5 (MANE Select); 3 bases into the intron after coding-DNA position 1281, A replaced by C.
Molecular consequence: intron variant. On other transcripts: non-coding transcript variant (1).
Genome position (GRCh38, 1-based): chr6:133,506,198, A>C. VCF-style: chr6-133506198-A-C. GRCh37 (hg19) VCF-style: chr6-133827336-A-C.
Other names: c.1299+3A>C (NM_001301013.2); c.1281+3A>C (NM_172105.4); c.1212+3A>C (NM_001370458.1, NM_172103.4); c.1137+3A>C (NM_001370459.1); c.1119+3A>C (NM_001301012.2).
Identifiers: ClinVar variation 3774816 (VCV003774816.1).
Genomic context (GRCh38, chr6:133,506,198, plus strand): 5'-CATGGAAGAAATGATTTTTAATCTTGCTGATACTCATTTGTTTTTTAATGATTTAGAGGT[A>C]AGAATTTTACAAGGTACAAATAGTTGTATCCAACACCAGACCTCCTAGATGGTTTCTGTA-3'

ClinVar aggregate classification (germline): Uncertain significance (1 of 4 stars; one submission).

Submission:

GeneDx
Classification: Uncertain significance. Last evaluated: 2024-09-30. Review status: criteria provided, single submitter. Criteria: GeneDx Variant Classification Process June 2021. Collection method: clinical testing. Allele origin: germline. Affected: yes.
Comment: Not observed at significant frequency in large population cohorts (gnomAD); In silico analysis supports a deleterious effect on splicing; Has not been previously published as pathogenic or benign to our knowledge